The following is an entry in ClinVar:

NM_003859.3(DPM1):c.173_174del (p.Asn57_Tyr58insTer)

Gene: DPM1 (dolichyl-phosphate mannosyltransferase subunit 1, catalytic; minus strand). Cytogenetic location: 20q13.13.
Variant type: Deletion.
Coding change: c.173_174del on transcript NM_003859.3 (MANE Select); coding-DNA positions 173 to 174, 2 bases deleted (AT; older notation c.173_174delAT).
Protein change: p.Asn57_Tyr58insTer.
Molecular consequence: nonsense. On other transcripts: non-coding transcript variant (1).
Genome position (GRCh38, 1-based): chr20:50,955,273-50,955,274, AT deleted on the plus strand (AT on the coding strand, the reverse complement: DPM1 is on the minus strand); deleting any 2 consecutive bases within chr20:50,955,273-50,955,275 gives the same sequence; the c. name uses the placement nearest the transcript's 3' end. VCF-style (leftmost placement, unchanged base first): chr20-50955272-CAT-C. GRCh37 (hg19) VCF-style: chr20-49571809-CAT-C.
Other names: c.173_174del, p.Asn57_Tyr58insTer (NM_001317034.1, NM_001317035.1, NM_001317036.1).
Identifiers: ClinVar variation 1454916 (VCV001454916.6), dbSNP rs1350257432, ClinGen allele CA635766001.

ClinVar aggregate classification (germline): Pathogenic (1 of 4 stars; one submission).

Conditions:
Congenital disorder of glycosylation type 1E (CDG1E). Also called: CDG Ie; CONGENITAL DISORDER OF GLYCOSYLATION, TYPE Ie. Identifiers: Orphanet 79322, MedGen C1837396, MONDO:0012123, OMIM 608799.

Submission:

Labcorp Genetics (formerly Invitae), Labcorp
Classification: Pathogenic for Congenital disorder of glycosylation type 1E. Last evaluated: 2021-09-09. Review status: criteria provided, single submitter. Criteria: Invitae Variant Classification Sherloc (09022015). Collection method: clinical testing. Allele origin: germline.
Comment: This sequence change creates a premature translational stop signal (p.Tyr58*) in the DPM1 gene. It is expected to result in an absent or disrupted protein product. Loss-of-function variants in DPM1 are known to be pathogenic (PMID: 10642597, 10642602). This variant is not present in population databases (ExAC no frequency). This variant has not been reported in the literature in individuals affected with DPM1-related conditions. For these reasons, this variant has been classified as Pathogenic.

Literature cited by the submitters: PubMed 10642597; PubMed 10642602.